The following is an entry in ClinVar:

NM_001242896.3(DEPDC5):c.3247A>G (p.Met1083Val)

Gene: DEPDC5 (DEP domain containing 5, GATOR1 subcomplex subunit; plus strand). Cytogenetic location: 22q12.3.
Variant type: single nucleotide variant.
Coding change: c.3247A>G on transcript NM_001242896.3 (MANE Select); coding-DNA position 3247, A replaced by G.
Protein change: p.Met1083Val; replaces methionine 1083 with valine.
Molecular consequence: missense variant. On other transcripts: non-coding transcript variant (5).
Genome position (GRCh38, 1-based): chr22:31,857,536, A>G. VCF-style: chr22-31857536-A-G. GRCh37 (hg19) VCF-style: chr22-32253522-A-G.
Other names: c.3220A>G, p.Met1074Val (NM_001136029.4, NM_001369903.1, NM_014662.6); c.3013A>G, p.Met1005Val (NM_001242897.2, NM_001363854.2, NM_001364319.2); c.3247A>G, p.Met1083Val (NM_001363852.2, NM_001364318.2, NM_001364320.2); c.3163A>G, p.Met1055Val (NM_001369901.1, NM_001369902.1); short protein forms M1005V, M1055V, M1074V, M1083V.
Identifiers: ClinVar variation 1703470 (VCV001703470.8), dbSNP rs768817912, ClinGen allele CA411293868.
Genomic context (GRCh38, chr22:31,857,536, plus strand): 5'-GGTGGGAAGAGCTCCGCCCAGTCAGCCGAGAGCAGCAGCGTTGCCATGACTCCCACCTAC[A>G]TGGACAGCCCACGAAAGGTAAAGGAAGCCGCGGTAGCAGGGAGCTGTTCTGTGCTCTCAG-3'
Protein context (NP_001229825.1, residues 1073-1093): SSSVAMTPTY[Met1083Val]DSPRKDGAFF

ClinVar aggregate classification (germline): Conflicting classifications of pathogenicity. Review status: criteria provided, conflicting classifications (1 of 4 stars). 3 submissions from 3 submitters: Uncertain significance (2); Likely benign (1). Last evaluated 2026-04-15.

Conditions:
Inborn genetic diseases. Identifiers: MedGen C0950123, MeSH D030342.
Familial focal epilepsy with variable foci (FPEVF). Identifiers: Orphanet 98820, MedGen C1858477, MONDO:0020310.

Submissions (3):

Ambry Genetics
Classification: Likely benign for Inborn genetic diseases. Last evaluated: 2026-04-15. Review status: criteria provided, single submitter. Criteria: Ambry Variant Classification Scheme 2023. Collection method: clinical testing. Allele origin: germline.

Labcorp Genetics (formerly Invitae), Labcorp
Classification: Uncertain significance for Familial focal epilepsy with variable foci. Last evaluated: 2022-06-27. Review status: criteria provided, single submitter. Criteria: Invitae Variant Classification Sherloc (09022015). Collection method: clinical testing. Allele origin: germline.
Comment: In summary, the available evidence is currently insufficient to determine the role of this variant in disease. Therefore, it has been classified as a Variant of Uncertain Significance. Algorithms developed to predict the effect of missense changes on protein structure and function output the following: SIFT: "Tolerated"; PolyPhen-2: "Not Available"; Align-GVGD: "Class C0". The valine amino acid residue is found in multiple mammalian species, which suggests that this missense change does not adversely affect protein function. This variant has not been reported in the literature in individuals affected with DEPDC5-related conditions. This variant is present in population databases (no rsID available, gnomAD no frequency). This sequence change replaces methionine, which is neutral and non-polar, with valine, which is neutral and non-polar, at codon 1083 of the DEPDC5 protein (p.Met1083Val).

GeneDx
Classification: Uncertain significance. Last evaluated: 2022-02-24. Review status: criteria provided, single submitter. Criteria: GeneDx Variant Classification Process June 2021. Collection method: clinical testing. Allele origin: germline. Affected: yes.
Comment: Not observed at significant frequency in large population cohorts (gnomAD); In silico analysis supports that this missense variant does not alter protein structure/function; Has not been previously published as pathogenic or benign to our knowledge